The following is an entry in ClinVar:

ClinVar aggregate classification (germline): Uncertain significance. Review status: criteria provided, multiple submitters, no conflicts (2 of 4 stars). 2 submissions from 2 submitters: Uncertain significance (2). Last evaluated 2025-12-30.

Conditions:
Hereditary cancer-predisposing syndrome. Also called: Hereditary Cancer Syndrome; Neoplastic Syndromes, Hereditary; Tumor predisposition; Hereditary neoplastic syndrome. Identifiers: Orphanet 140162, MedGen C0027672, MeSH D009386, MONDO:0015356.
Gorlin syndrome. Also called: Basal cell nevus syndrome; Nevoid Basal Cell Carcinoma Syndrome. Identifiers: Orphanet 377, MedGen C0004779, MONDO:0007187.

gnomAD v4.1: 1 of 1,614,170 alleles (0.000062%); highest among the groups gnomAD compares: Non-Finnish European, 0.000085%; no homozygotes.

Submissions (2):

Ambry Genetics
Classification: Uncertain significance for Hereditary cancer-predisposing syndrome. Last evaluated: 2025-12-30. Review status: criteria provided, single submitter. Criteria: Ambry Variant Classification Scheme 2023. Collection method: clinical testing. Allele origin: germline.
Comment: The p.P725H variant (also known as c.2174C>A), located in coding exon 14 of the PTCH1 gene, results from a C to A substitution at nucleotide position 2174. The proline at codon 725 is replaced by histidine, an amino acid with similar properties. This amino acid position is highly conserved in available vertebrate species. In addition, the in silico prediction for this alteration is inconclusive. Based on the available evidence, the clinical significance of this variant remains unclear.

Labcorp Genetics (formerly Invitae), Labcorp
Classification: Uncertain significance for Gorlin syndrome. Last evaluated: 2024-03-14. Review status: criteria provided, single submitter. Criteria: Invitae Variant Classification Sherloc (09022015). Collection method: clinical testing. Allele origin: germline.
Comment: This sequence change replaces proline, which is neutral and non-polar, with histidine, which is basic and polar, at codon 725 of the PTCH1 protein (p.Pro725His). This variant is not present in population databases (gnomAD no frequency). This variant has not been reported in the literature in individuals affected with PTCH1-related conditions. ClinVar contains an entry for this variant (Variation ID: 1013881). Advanced modeling of protein sequence and biophysical properties (such as structural, functional, and spatial information, amino acid conservation, physicochemical variation, residue mobility, and thermodynamic stability) performed at Invitae indicates that this missense variant is not expected to disrupt PTCH1 protein function with a negative predictive value of 95%. In summary, the available evidence is currently insufficient to determine the role of this variant in disease. Therefore, it has been classified as a Variant of Uncertain Significance.

NM_000264.5(PTCH1):c.2174C>A (p.Pro725His)

Genes: PTCH1 (patched 1; minus strand), LOC100507346 (uncharacterized LOC100507346; plus strand). Cytogenetic location: 9q22.32.
Variant type: single nucleotide variant.
Coding change: c.2174C>A on transcript NM_000264.5 (MANE Select); coding-DNA position 2174, C replaced by A.
Protein change: p.Pro725His; replaces proline 725 with histidine.
Molecular consequence: missense variant. On other transcripts: non-coding transcript variant (2).
Genome position (GRCh38, 1-based): chr9:95,468,827, G>T on the plus strand (C>A on the coding strand, the complement: PTCH1 is on the minus strand). VCF-style: chr9-95468827-G-T. GRCh37 (hg19) VCF-style: chr9-98231109-G-T.
Other names: c.1976C>A, p.Pro659His (NM_001083602.3); c.2171C>A, p.Pro724His (NM_001083603.3); c.1721C>A, p.Pro574His (NM_001083604.3, NM_001083605.3, NM_001083606.3 and 1 more transcripts); c.2018C>A, p.Pro673His (NM_001354918.2); c.2174C>A (NM_000264.3); short protein forms P574H, P659H, P673H, P724H, P725H.
Identifiers: ClinVar variation 1013881 (VCV001013881.10), dbSNP rs963297092, ClinGen allele CA374115444.
Genomic context (GRCh38, chr9:95,468,827, plus strand): 5'-AAGAGGAAAGGAGCATAGTGCTTCTCAGCAAAAGATGAGAGTGTCCACTTCGTACAGGGG[G>T]GCTCGAGGCAGTGGAGGCTGGAGTCGGAGAACTGGGAGAGCAGGTCCCTTGTGGAGCTGG-3'
Protein context (NP_000255.2, residues 715-735): FSDSSLHCLE[Pro725His]PCTKWTLSSF